The following is an entry in ClinVar:

NM_016734.3(PAX5):c.133G>A (p.Ala45Thr)

Gene: PAX5 (paired box 5; minus strand). Cytogenetic location: 9p13.2.
Variant type: single nucleotide variant.
Coding change: c.133G>A on transcript NM_016734.3 (MANE Select); coding-DNA position 133, G replaced by A.
Protein change: p.Ala45Thr; replaces alanine 45 with threonine.
Molecular consequence: missense variant. On other transcripts: non-coding transcript variant (2), intron variant (2).
Genome position (GRCh38, 1-based): chr9:37,020,715, C>T on the plus strand (G>A on the coding strand, the complement: PAX5 is on the minus strand). VCF-style: chr9-37020715-C-T. GRCh37 (hg19) VCF-style: chr9-37020712-C-T.
Other names: c.133G>A, p.Ala45Thr (NM_001280547.2, NM_001280548.2, NM_001280549.2 and 5 more transcripts); c.-112-5521G>A (NM_001280551.2, NM_001280556.2); short protein forms A45T.
Identifiers: ClinVar variation 4626940 (VCV004626940.1).
Genomic context (GRCh38, chr9:37,020,715, plus strand): 5'-CACAACCATGGCTGACCCGAAGCTGCCTGGAGATGTCGCAGGGCCTGACACCTTGATGAG[C>T]AAGTTCCACTATCCTCTGGCGGACTACATCCGGGAGTGGCCGTCCATTCACAAAAACCCC-3'
Protein context (NP_057953.1, residues 35-55): DVVRQRIVEL[Ala45Thr]HQGVRPCDIS

ClinVar aggregate classification (germline): Uncertain significance (1 of 4 stars; one submission).

Conditions:
Inborn genetic diseases. Identifiers: MedGen C0950123, MeSH D030342.

gnomAD v4.1: 1 of 1,614,226 alleles (0.000062%); no homozygotes.

Submission:

Ambry Genetics
Classification: Uncertain significance for Inborn genetic diseases. Last evaluated: 2025-09-21. Review status: criteria provided, single submitter. Criteria: Ambry Variant Classification Scheme 2023. Collection method: clinical testing. Allele origin: germline.
Comment: The p.A45T variant (also known as c.133G>A), located in coding exon 2 of the PAX5 gene, results from a G to A substitution at nucleotide position 133. The alanine at codon 45 is replaced by threonine, an amino acid with similar properties. This amino acid position is conserved. In addition, this alteration is predicted to be deleterious by in silico analysis. Based on the available evidence, the clinical significance of this variant remains unclear.